The following is an entry in ClinVar:

ClinVar aggregate classification (germline): Likely benign. Review status: criteria provided, single submitter (1 of 4 stars). 2 submissions from 2 submitters: Likely benign (1). 1 of the submissions does not count toward it. Last evaluated 2018-05-24.

Conditions:
MYO1C-related disorder. Also called: MYO1C-related condition.

Allele frequency attached by ClinVar (database versions not stated): ExAC 0.00007; gnomAD exomes 0.00010; gnomAD 0.00015 and 0.00016; TOPMed 0.00021.

Submissions (2):

GeneDx
Classification: Likely benign. Last evaluated: 2018-05-24. Review status: criteria provided, single submitter. Criteria: GeneDx Variant Classification (06012015). Collection method: clinical testing. Allele origin: germline. Affected: yes.
Comment: This variant is considered likely benign or benign based on one or more of the following criteria: it is a conservative change, it occurs at a poorly conserved position in the protein, it is predicted to be benign by multiple in silico algorithms, and/or has population frequency not consistent with disease.

PreventionGenetics, part of Exact Sciences
Classification: Likely benign for MYO1C-related condition. Last evaluated: 2019-08-13. Review status: no assertion criteria provided. Collection method: clinical testing. Allele origin: germline. Not counted in ClinVar's aggregate classification.
Comment: This variant is classified as likely benign based on ACMG/AMP sequence variant interpretation guidelines (Richards et al. 2015 PMID: 25741868, with internal and published modifications).

NM_001080779.2(MYO1C):c.808-4C>T

Gene: MYO1C (myosin IC; minus strand). Cytogenetic location: 17p13.3.
Variant type: single nucleotide variant.
Coding change: c.808-4C>T on transcript NM_001080779.2 (MANE Select); 4 bases into the intron before coding-DNA position 808, C replaced by T.
Molecular consequence: intron variant.
Genome position (GRCh38, 1-based): chr17:1,480,629, G>A on the plus strand (C>T on the coding strand, the complement: MYO1C is on the minus strand). VCF-style: chr17-1480629-G-A. GRCh37 (hg19) VCF-style: chr17-1383923-G-A.
Other names: c.703-4C>T (NM_033375.5); c.751-4C>T (NM_001080950.2); c.736-4C>T (NM_001363855.1).
Identifiers: ClinVar variation 668260 (VCV000668260.3), dbSNP rs748712532, ClinGen allele CA8267839.